The following is an entry in ClinVar:

ClinVar aggregate classification (germline): Likely pathogenic (1 of 4 stars; one submission).

Conditions:
Autosomal recessive nonsyndromic hearing loss 2. Also called: NEUROSENSORY NONSYNDROMIC RECESSIVE DEAFNESS 2; DEAFNESS, AUTOSOMAL RECESSIVE 2. Identifiers: Orphanet 90636, MedGen C1838701, MONDO:0010807, OMIM 600060.

Submission:

Institute of Rare Diseases, West China Hospital, Sichuan University
Classification: Likely pathogenic for Autosomal recessive nonsyndromic hearing loss 2. Last evaluated: 2025-01-09. Review status: criteria provided, single submitter. Criteria: ClinGen HL ACMG Specifications v1. Collection method: research. Allele origin: germline. Affected: yes.
Comment: PVS1;PM2_Supporting

NM_000260.4(MYO7A):c.592+2T>A

Gene: MYO7A (myosin VIIA; plus strand). Cytogenetic location: 11q13.5.
Variant type: single nucleotide variant.
Coding change: c.592+2T>A on transcript NM_000260.4 (MANE Select); the canonical splice donor site of the intron after coding-DNA position 592, T replaced by A.
Molecular consequence: splice donor variant.
Genome position (GRCh38, 1-based): chr11:77,156,783, T>A. VCF-style: chr11-77156783-T-A. GRCh37 (hg19) VCF-style: chr11-76867829-T-A.
Other names: c.559+2T>A (NM_001369365.1); c.592+2T>A (NM_001127180.2).
Identifiers: ClinVar variation 3601495 (VCV003601495.1).
Genomic context (GRCh38, chr11:77,156,783, plus strand): 5'-CAGTGGGCAGCACTCGTGGATTGAGCAGCAGGTCTTGGAGGCCACCCCCATTCTGGAAGG[T>A]AGGACCAGAGTTCCGAGGGTGGGACCAGGCAGTGGGGCGGGAGCGGGCTTTGCCAGTGAC-3'